The following is an entry in ClinVar:

ClinVar aggregate classification (germline): Uncertain significance (1 of 4 stars; one submission).

Submission:

Labcorp Genetics (formerly Invitae), Labcorp
Classification: Uncertain significance. Last evaluated: 2022-02-25. Review status: criteria provided, single submitter. Criteria: Invitae Variant Classification Sherloc (09022015). Collection method: clinical testing. Allele origin: germline.
Comment: In summary, the available evidence is currently insufficient to determine the role of this variant in disease. Therefore, it has been classified as a Variant of Uncertain Significance. Algorithms developed to predict the effect of missense changes on protein structure and function output the following: SIFT: "Not Available"; PolyPhen-2: "Benign"; Align-GVGD: "Not Available". The alanine amino acid residue is found in multiple mammalian species, which suggests that this missense change does not adversely affect protein function. ClinVar contains an entry for this variant (Variation ID: 858741). This variant has not been reported in the literature in individuals affected with ADAMTS18-related conditions. This variant is not present in population databases (gnomAD no frequency). This sequence change replaces threonine, which is neutral and polar, with alanine, which is neutral and non-polar, at codon 1025 of the ADAMTS18 protein (p.Thr1025Ala).

NM_199355.4(ADAMTS18):c.3073A>G (p.Thr1025Ala)

Gene: ADAMTS18 (ADAM metallopeptidase with thrombospondin type 1 motif 18; minus strand). Cytogenetic location: 16q23.1.
Variant type: single nucleotide variant.
Coding change: c.3073A>G on transcript NM_199355.4 (MANE Select); coding-DNA position 3073, A replaced by G.
Protein change: p.Thr1025Ala; replaces threonine 1025 with alanine.
Molecular consequence: missense variant.
Genome position (GRCh38, 1-based): chr16:77,293,192, T>C on the plus strand (A>G on the coding strand, the complement: ADAMTS18 is on the minus strand). VCF-style: chr16-77293192-T-C. GRCh37 (hg19) VCF-style: chr16-77327089-T-C.
Other names: c.2557A>G, p.Thr853Ala (NM_001326358.2); short protein forms T1025A, T853A.
Identifiers: ClinVar variation 858741 (VCV000858741.11), dbSNP rs2055400175, ClinGen allele CA396832895.